The following is an entry in ClinVar:

ClinVar aggregate classification (germline): Likely benign (1 of 4 stars; one submission).

gnomAD v4.1: 3 of 1,614,192 alleles (0.00019%); highest among the groups gnomAD compares: South Asian, 0.0033%; no homozygotes.

Submission:

CeGaT Center for Human Genetics Tuebingen
Classification: Likely benign. Last evaluated: 2025-06-01. Review status: criteria provided, single submitter. Criteria: CeGaT Center For Human Genetics Tuebingen Variant Classification Criteria Version 2. Collection method: clinical testing. Allele origin: germline. Affected: yes. Observed: 1 variant allele.
Comment: NLRP3: BP4, BP7

NM_001243133.2(NLRP3):c.2694T>C (p.Cys898=)

Gene: NLRP3 (NLR family pyrin domain containing 3; plus strand). Cytogenetic location: 1q44.
Variant type: single nucleotide variant.
Coding change: c.2694T>C on transcript NM_001243133.2 (MANE Select); coding-DNA position 2694, T replaced by C.
Protein change: p.Cys898=; no amino-acid change (cysteine 898 retained).
Molecular consequence: synonymous variant.
Genome position (GRCh38, 1-based): chr1:247,444,002, T>C. VCF-style: chr1-247444002-T-C. GRCh37 (hg19) VCF-style: chr1-247607304-T-C.
Other names: c.2694T>C, p.Cys898= (NM_001079821.3); c.2523T>C, p.Cys841= (NM_001127461.3, NM_001127462.3); c.2700T>C, p.Cys900= (NM_004895.5); c.2352T>C, p.Cys784= (NM_183395.3).
Identifiers: ClinVar variation 3905498 (VCV003905498.10).